The following is an entry in ClinVar:

ClinVar aggregate classification (germline): Uncertain significance (1 of 4 stars; one submission).

Allele frequency attached by ClinVar (database versions not stated): TOPMed 0.00002; gnomAD 0.00003 and 0.00004; gnomAD exomes 0.00005; ExAC 0.00009.

Submission:

Labcorp Genetics (formerly Invitae), Labcorp
Classification: Uncertain significance. Last evaluated: 2022-06-13. Review status: criteria provided, single submitter. Criteria: Invitae Variant Classification Sherloc (09022015). Collection method: clinical testing. Allele origin: germline.
Comment: This sequence change replaces isoleucine, which is neutral and non-polar, with valine, which is neutral and non-polar, at codon 294 of the RNF168 protein (p.Ile294Val). This variant is present in population databases (rs532953013, gnomAD 0.008%). This variant has not been reported in the literature in individuals affected with RNF168-related conditions. Algorithms developed to predict the effect of missense changes on protein structure and function output the following: SIFT: "Tolerated"; PolyPhen-2: "Benign"; Align-GVGD: "Class C0". The valine amino acid residue is found in multiple mammalian species, which suggests that this missense change does not adversely affect protein function. In summary, the available evidence is currently insufficient to determine the role of this variant in disease. Therefore, it has been classified as a Variant of Uncertain Significance.

NM_152617.4(RNF168):c.880A>G (p.Ile294Val)

Gene: RNF168 (ring finger protein 168; minus strand). Cytogenetic location: 3q29.
Variant type: single nucleotide variant.
Coding change: c.880A>G on transcript NM_152617.4 (MANE Select); coding-DNA position 880, A replaced by G.
Protein change: p.Ile294Val; replaces isoleucine 294 with valine.
Molecular consequence: missense variant.
Genome position (GRCh38, 1-based): chr3:196,472,655, T>C on the plus strand (A>G on the coding strand, the complement: RNF168 is on the minus strand). VCF-style: chr3-196472655-T-C. GRCh37 (hg19) VCF-style: chr3-196199526-T-C.
Other names: short protein forms I294V.
Identifiers: ClinVar variation 1423795 (VCV001423795.5), dbSNP rs532953013, ClinGen allele CA2780781.